The following is an entry in ClinVar:

ClinVar aggregate classification (germline): Uncertain significance (1 of 4 stars; one submission).

Allele frequency attached by ClinVar (database versions not stated): ExAC 0.00001; TOPMed 0.00001; gnomAD exomes 0.00001.
gnomAD v4.1: 3 of 1,614,128 alleles (0.00019%); highest among the groups gnomAD compares: East Asian, 0.0022%; no homozygotes.

Submission:

Labcorp Genetics (formerly Invitae), Labcorp
Classification: Uncertain significance. Last evaluated: 2022-01-13. Review status: criteria provided, single submitter. Criteria: Invitae Variant Classification Sherloc (09022015). Collection method: clinical testing. Allele origin: germline.
Comment: This variant is present in population databases (rs761537104, gnomAD 0.003%). In summary, the available evidence is currently insufficient to determine the role of this variant in disease. Therefore, it has been classified as a Variant of Uncertain Significance. Algorithms developed to predict the effect of missense changes on protein structure and function are either unavailable or do not agree on the potential impact of this missense change (SIFT: "Deleterious"; PolyPhen-2: "Benign"; Align-GVGD: "Class C25"). This variant has not been reported in the literature in individuals affected with NUP62-related conditions. This sequence change replaces arginine, which is basic and polar, with cysteine, which is neutral and slightly polar, at codon 430 of the NUP62 protein (p.Arg430Cys).

NM_016553.5(NUP62):c.1288C>T (p.Arg430Cys)

Genes: IL4I1 (interleukin 4 induced 1; minus strand), NUP62 (nucleoporin 62; minus strand). Cytogenetic location: 19q13.33.
Variant type: single nucleotide variant.
Coding change: c.1288C>T on transcript NM_016553.5 (MANE Select); coding-DNA position 1288, C replaced by T.
Protein change: p.Arg430Cys; replaces arginine 430 with cysteine.
Molecular consequence: missense variant. On other transcripts: intron variant (3).
Genome position (GRCh38, 1-based): chr19:49,908,520, G>A on the plus strand (C>T on the coding strand, the complement: NUP62 is on the minus strand). VCF-style: chr19-49908520-G-A. GRCh37 (hg19) VCF-style: chr19-50411777-G-A.
Other names: c.1288C>T, p.Arg430Cys (NM_001193357.2, NM_012346.5, NM_153718.4 and 1 more transcripts); c.-227-4199C>T (NM_001258017.2, NM_172374.3); c.-285-4199C>T (NM_001258018.2); short protein forms R430C.
Identifiers: ClinVar variation 2181920 (VCV002181920.3), dbSNP rs761537104, ClinGen allele CA9588918.
Genomic context (GRCh38, chr19:49,908,520, plus strand): 5'-CCTGGGCCATGCGCTTGAGCTGTGCATCGATGTTCTCAGCCAGCTTGTAGGTTTTCTCAC[G>A]CTCCTCATCCGCGTGCTGCAGGTAGATGGTCCCGCTCTGCTCCTTGACCAACTCCTCCAG-3'
Protein context (NP_057637.2, residues 420-440): TIYLQHADEE[Arg430Cys]EKTYKLAENI